The following is an entry in ClinVar:

NM_000261.2(MYOC):c.648G>A (p.Lys216=)

Gene: MYOC (myocilin; minus strand). Cytogenetic location: 1q24.3.
Variant type: single nucleotide variant.
Coding change: c.648G>A on transcript NM_000261.2 (MANE Select); coding-DNA position 648, G replaced by A.
Protein change: p.Lys216=; no amino-acid change (lysine 216 retained).
Molecular consequence: synonymous variant.
Genome position (GRCh38, 1-based): chr1:171,638,679, C>T on the plus strand (G>A on the coding strand, the complement: MYOC is on the minus strand). VCF-style: chr1-171638679-C-T. GRCh37 (hg19) VCF-style: chr1-171607819-C-T.
Other names: NM_000261.2(MYOC):c.648G>A; p.Lys216=.
Identifiers: ClinVar variation 293715 (VCV000293715.20), dbSNP rs141584495, ClinGen allele CA1244204.

ClinVar aggregate classification (germline): Likely benign. Review status: reviewed by expert panel (3 of 4 stars). 6 submissions from 5 submitters: Likely benign (1). 5 of the submissions do not count toward it. Last evaluated 2026-01-20.

Conditions:
Glaucoma. Identifiers: MedGen C0017601, MONDO:0005041, HP:0000501.
Inborn genetic diseases. Identifiers: MedGen C0950123, MeSH D030342.
Glaucoma 1, open angle, A (GLC1A). Also called: Glaucoma, Dominant (Juvenile Onset). Identifiers: Orphanet 98977, MedGen C1842028, MONDO:0007664, OMIM 137750.
Open-angle glaucoma. Identifiers: MedGen C0017612, MONDO:0005338, HP:0012108.

Allele frequency attached by ClinVar (database versions not stated): TOPMed 0.00046; 1000 Genomes Project 0.00020; gnomAD exomes 0.00043 and 0.00072; ExAC 0.00045; gnomAD 0.00052 and 0.00053; 1000 Genomes Project 30x 0.00031; ESP Exome Variant Server 0.00054.
gnomAD v4.1: 1,143 of 1,614,182 alleles (0.071%); highest among the groups gnomAD compares: South Asian, 0.12%; no homozygotes.

Submissions (6):

ClinGen Glaucoma Variant Curation Expert Panel
Classification: Likely benign for Open-angle glaucoma. Last evaluated: 2026-01-20. Review status: reviewed by expert panel. Criteria: ClinGen Glaucoma ACMG Specifications V2.0.0 Approved. Collection method: curation. Allele origin: germline. Inheritance: Autosomal dominant inheritance.
Comment: The c.648G>A variant in MYOC is a synonymous variant (p.Lys216=). The highest minor allele frequency of this variant was in the South Asian genetic ancestry group of gnomAD (v4.1.0) = 0.001153, which met the ≥ 0.001 threshold set for BS1 (105 alleles out of 91,084), meeting the threshold of ≥ 5 of at least 2,000 observed alleles). The SpliceAI score = 0.02, which met the ≤ 0.1 threshold for BP4, suggesting that the variant does not impact MYOC function. This synonymous variant meets BP4, so BP7 is met. Although probands with primary open angle glaucoma have been reported carrying this variant, PM2_Supporting was not met, therefore PS4 did not apply. In summary, this variant met the criteria to receive a score of -6 and to be classified as likely benign (likely benign classification range -2 to -6, adapted from PMID: 32720330) for primary open angle glaucoma based on the ACMG/AMP criteria met, as specified by the ClinGen Glaucoma VCEP (v2.0.0, 5 Dec 2024): BS1, BP4, BP7.

Labcorp Genetics (formerly Invitae), Labcorp
Classification: Benign. Last evaluated: 2024-11-11. Review status: criteria provided, single submitter. Criteria: Invitae Variant Classification Sherloc (09022015). Collection method: clinical testing. Allele origin: germline. Not counted in ClinVar's aggregate classification.

Ambry Genetics
Classification: Likely benign for Inborn genetic diseases. Last evaluated: 2023-09-26. Review status: criteria provided, single submitter. Criteria: Ambry Variant Classification Scheme 2023. Collection method: clinical testing. Allele origin: germline. Not counted in ClinVar's aggregate classification.

GeneDx
Classification: Uncertain significance. Last evaluated: 2021-04-28. Review status: criteria provided, single submitter. Criteria: GeneDx Variant Classification Process June 2021. Collection method: clinical testing. Allele origin: germline. Affected: yes. Not counted in ClinVar's aggregate classification.
Comment: Identified in patients with primary open-angel glaucoma in published literature (O'Gorman et al., 2019); In silico analysis supports that this variant does not alter splicing; This variant is associated with the following publications: (PMID: 30816137)

Illumina Laboratory Services, Illumina
Classification: Uncertain significance for Glaucoma 1, open angle, A. Last evaluated: 2018-01-12. Review status: criteria provided, single submitter. Criteria: ICSL Variant Classification Criteria 13 December 2019. Collection method: clinical testing. Allele origin: germline. Not counted in ClinVar's aggregate classification.

Illumina Laboratory Services, Illumina
Classification: Uncertain significance for Glaucoma. Last evaluated: 2018-01-12. Review status: criteria provided, single submitter. Criteria: ICSL Variant Classification Criteria 13 December 2019. Collection method: clinical testing. Allele origin: germline. Not counted in ClinVar's aggregate classification.